The following is an entry in ClinVar:

ClinVar aggregate classification (germline): Likely pathogenic (1 of 4 stars; one submission).

Allele frequency attached by ClinVar (database versions not stated): gnomAD exomes 0.00001.

Submission:

Labcorp Genetics (formerly Invitae), Labcorp
Classification: Likely pathogenic. Last evaluated: 2022-04-22. Review status: criteria provided, single submitter. Criteria: Invitae Variant Classification Sherloc (09022015). Collection method: clinical testing. Allele origin: germline.
Comment: This sequence change replaces glycine, which is neutral and non-polar, with serine, which is neutral and polar, at codon 535 of the TPP1 protein (p.Gly535Ser). In summary, the currently available evidence indicates that the variant is pathogenic, but additional data are needed to prove that conclusively. Therefore, this variant has been classified as Likely Pathogenic. This variant disrupts the p.Gly535 amino acid residue in TPP1. Other variant(s) that disrupt this residue have been determined to be pathogenic (PMID: 23266810). This suggests that this residue is clinically significant, and that variants that disrupt this residue are likely to be disease-causing. Advanced modeling of protein sequence and biophysical properties (such as structural, functional, and spatial information, amino acid conservation, physicochemical variation, residue mobility, and thermodynamic stability) performed at Invitae indicates that this missense variant is expected to disrupt TPP1 protein function. This variant has not been reported in the literature in individuals affected with TPP1-related conditions. This variant is not present in population databases (gnomAD no frequency).

Literature cited by the submitters: PubMed 23266810.

NM_000391.4(TPP1):c.1603G>A (p.Gly535Ser)

Gene: TPP1 (tripeptidyl peptidase 1; minus strand). Cytogenetic location: 11p15.4.
Variant type: single nucleotide variant.
Coding change: c.1603G>A on transcript NM_000391.4 (MANE Select); coding-DNA position 1603, G replaced by A.
Protein change: p.Gly535Ser; replaces glycine 535 with serine.
Molecular consequence: missense variant.
Genome position (GRCh38, 1-based): chr11:6,614,635, C>T on the plus strand (G>A on the coding strand, the complement: TPP1 is on the minus strand). VCF-style: chr11-6614635-C-T. GRCh37 (hg19) VCF-style: chr11-6635866-C-T.
Other names: short protein forms G535S.
Identifiers: ClinVar variation 2124396 (VCV002124396.4), dbSNP rs2493795199, ClinGen allele CA379472115.